The following is an entry in ClinVar:

ClinVar aggregate classification (germline): Benign/Likely benign. Review status: criteria provided, multiple submitters, no conflicts (2 of 4 stars). 3 submissions from 3 submitters: Benign (1); Likely benign (2). Last evaluated 2025-12-15.

Conditions:
Tuberous sclerosis 2 (TSC2). Identifiers: Orphanet 805, MedGen C1860707, MONDO:0013199, OMIM 613254.
Hereditary cancer-predisposing syndrome. Also called: Tumor predisposition; Hereditary Cancer Syndrome; Hereditary neoplastic syndrome; Neoplastic Syndromes, Hereditary. Identifiers: Orphanet 140162, MedGen C0027672, MeSH D009386, MONDO:0015356.

Submissions (3):

Labcorp Genetics (formerly Invitae), Labcorp
Classification: Likely benign for Tuberous sclerosis 2. Last evaluated: 2025-12-15. Review status: criteria provided, single submitter. Criteria: Invitae Variant Classification Sherloc (09022015). Collection method: clinical testing. Allele origin: germline.

Myriad Genetics, Inc.
Classification: Benign for Tuberous sclerosis 2. Last evaluated: 2025-06-04. Review status: criteria provided, single submitter. Criteria: Myriad Autosomal Dominant, Autosomal Recessive and X-Linked Classification Criteria (2023). Collection method: clinical testing. Allele origin: unknown.
Comment: This variant is considered benign. This variant is a silent/synonymous amino acid change and it is not expected to impact splicing.

Ambry Genetics
Classification: Likely benign for Hereditary cancer-predisposing syndrome. Last evaluated: 2025-04-18. Review status: criteria provided, single submitter. Criteria: Ambry Variant Classification Scheme 2023. Collection method: clinical testing. Allele origin: germline.

NM_000548.5(TSC2):c.4635C>A (p.Ile1545=)

Gene: TSC2 (TSC complex subunit 2; plus strand). Cytogenetic location: 16p13.3.
Variant type: single nucleotide variant.
Coding change: c.4635C>A on transcript NM_000548.5 (MANE Select); coding-DNA position 4635, C replaced by A.
Protein change: p.Ile1545=; no amino-acid change (isoleucine 1545 retained).
Molecular consequence: synonymous variant. On other transcripts: non-coding transcript variant (5).
Genome position (GRCh38, 1-based): chr16:2,085,295, C>A. VCF-style: chr16-2085295-C-A. GRCh37 (hg19) VCF-style: chr16-2135296-C-A.
Other names: c.4416C>A, p.Ile1472= (NM_001406676.1); c.4377C>A, p.Ile1459= (NM_001406677.1); c.4323C>A, p.Ile1441= (NM_001406678.1); c.4287C>A, p.Ile1429= (NM_001406679.1); c.4326C>A, p.Ile1442= (NM_001318827.2); c.4290C>A, p.Ile1430= (NM_001318829.2); c.3903C>A, p.Ile1301= (NM_001318831.2); c.4467C>A, p.Ile1489= (NM_001318832.2); and 26 more.
Identifiers: ClinVar variation 2074367 (VCV002074367.6), dbSNP rs757388437, ClinGen allele CA492958481.